The following is an entry in ClinVar:

ClinVar aggregate classification (germline): Uncertain significance (1 of 4 stars; one submission).

Allele frequency attached by ClinVar (database versions not stated): gnomAD 0.00001.
gnomAD v4.1: 4 of 1,614,004 alleles (0.00025%); highest among the groups gnomAD compares: African/African-American, 0.0027%; no homozygotes.

Submission:

Labcorp Genetics (formerly Invitae), Labcorp
Classification: Uncertain significance. Last evaluated: 2023-10-13. Review status: criteria provided, single submitter. Criteria: Invitae Variant Classification Sherloc (09022015). Collection method: clinical testing. Allele origin: germline.
Comment: This sequence change replaces aspartic acid, which is acidic and polar, with asparagine, which is neutral and polar, at codon 332 of the SLC39A14 protein (p.Asp332Asn). This variant is present in population databases (no rsID available, gnomAD 0.007%). This variant has not been reported in the literature in individuals affected with SLC39A14-related conditions. ClinVar contains an entry for this variant (Variation ID: 1961198). Advanced modeling of protein sequence and biophysical properties (such as structural, functional, and spatial information, amino acid conservation, physicochemical variation, residue mobility, and thermodynamic stability) performed at Invitae indicates that this missense variant is not expected to disrupt SLC39A14 protein function. In summary, the available evidence is currently insufficient to determine the role of this variant in disease. Therefore, it has been classified as a Variant of Uncertain Significance.

NM_001128431.4(SLC39A14):c.994G>A (p.Asp332Asn)

Gene: SLC39A14 (solute carrier family 39 member 14; plus strand). Cytogenetic location: 8p21.3.
Variant type: single nucleotide variant.
Coding change: c.994G>A on transcript NM_001128431.4 (MANE Select); coding-DNA position 994, G replaced by A.
Protein change: p.Asp332Asn; replaces aspartic acid 332 with asparagine.
Molecular consequence: missense variant.
Genome position (GRCh38, 1-based): chr8:22,416,127, G>A. VCF-style: chr8-22416127-G-A. GRCh37 (hg19) VCF-style: chr8-22273640-G-A.
Other names: c.994G>A, p.Asp332Asn (NM_001135153.3, NM_001135154.3, NM_001351655.2 and 3 more transcripts); c.1024G>A, p.Asp342Asn (NM_001351657.2, NM_001351658.2, NM_001351659.2); short protein forms D332N, D342N.
Identifiers: ClinVar variation 1961198 (VCV001961198.5), dbSNP rs1363051837, ClinGen allele CA370533193.